The following is an entry in ClinVar:

ClinVar aggregate classification (germline): Uncertain significance (1 of 4 stars; one submission).

Submission:

GeneDx
Classification: Uncertain significance. Last evaluated: 2024-11-27. Review status: criteria provided, single submitter. Criteria: GeneDx Variant Classification Process June 2021. Collection method: clinical testing. Allele origin: germline. Affected: yes.
Comment: Not observed at significant frequency in large population cohorts (gnomAD); In silico analysis supports that this missense variant has a deleterious effect on protein structure/function; Has not been previously published as pathogenic or benign to our knowledge

NM_014516.4(CNOT3):c.97C>T (p.His33Tyr)

Gene: CNOT3 (CCR4-NOT transcription complex subunit 3; plus strand). Cytogenetic location: 19q13.42.
Variant type: single nucleotide variant.
Coding change: c.97C>T on transcript NM_014516.4 (MANE Select); coding-DNA position 97, C replaced by T.
Protein change: p.His33Tyr; replaces histidine 33 with tyrosine.
Molecular consequence: missense variant.
Genome position (GRCh38, 1-based): chr19:54,143,445, C>T. VCF-style: chr19-54143445-C-T. GRCh37 (hg19) VCF-style: chr19-54647181-C-T.
Other names: short protein forms H33Y.
Identifiers: ClinVar variation 3900844 (VCV003900844.1).